The following is an entry in ClinVar:

NM_000390.4(CHM):c.649_652del (p.Tyr217fs)

Gene: CHM (CHM Rab escort protein; minus strand). Cytogenetic location: Xq21.2.
Variant type: Microsatellite.
Coding change: c.649_652del on transcript NM_000390.4 (MANE Select); coding-DNA positions 649 to 652, 4 bases deleted (TACT; older notation c.649_652delTACT).
Protein change: p.Tyr217fs; shifts the reading frame from tyrosine 217.
Molecular consequence: frameshift variant.
Genome position (GRCh38, 1-based): chrX:85,963,715-85,963,718, AGTA deleted on the plus strand (TACT on the coding strand, the reverse complement: CHM is on the minus strand); deleting any 4 consecutive bases within chrX:85,963,715-85,963,723 gives the same sequence; the c. name uses the placement nearest the transcript's 3' end. VCF-style (leftmost placement, unchanged base first): chrX-85963714-GAGTA-G. GRCh37 (hg19) VCF-style: chrX-85218719-GAGTA-G.
Other names: c.205_208del, p.Tyr69fs (NM_001320959.1, NM_001362517.1, NM_001362518.2 and 1 more transcripts); short protein forms Y69fs, Y217fs.
Identifiers: ClinVar variation 287749 (VCV000287749.10), dbSNP rs886043716, ClinGen allele CA10605857.

ClinVar aggregate classification (germline): Pathogenic. Review status: criteria provided, multiple submitters, no conflicts (2 of 4 stars). 3 submissions from 3 submitters: Pathogenic (3). Last evaluated 2025-08-11.

Conditions:
CHM-related disorders.

Submissions (3):

Labcorp Genetics (formerly Invitae), Labcorp
Classification: Pathogenic. Last evaluated: 2025-08-11. Review status: criteria provided, single submitter. Criteria: Invitae Variant Classification Sherloc (09022015). Collection method: clinical testing. Allele origin: germline.
Comment: This sequence change creates a premature translational stop signal (p.Tyr217Hisfs*14) in the CHM gene. It is expected to result in an absent or disrupted protein product. Loss-of-function variants in CHM are known to be pathogenic (PMID: 9067750, 23811034). This variant is not present in population databases (gnomAD no frequency). This premature translational stop signal has been observed in individual(s) with choroideremia (PMID: 23811034). For these reasons, this variant has been classified as Pathogenic.

Blueprint Genetics
Classification: Pathogenic for CHM-related disorders. Last evaluated: 2020-11-30. Review status: criteria provided, single submitter. Criteria: ACMG Guidelines, 2015. Collection method: clinical testing. Allele origin: germline. Affected: yes. Observed: 2 variant alleles.

Eurofins Ntd Llc (ga)
Classification: Pathogenic. Last evaluated: 2016-06-04. Review status: criteria provided, single submitter. Criteria: EGL Classification Definitions 2015. Collection method: clinical testing. Allele origin: germline. Observed: 1 variant allele, 1 hemizygote.

Literature cited by the submitters: PubMed 9067750 (cited by Labcorp Genetics (formerly Invitae), Labcorp); PubMed 23811034 (cited by Labcorp Genetics (formerly Invitae), Labcorp); PubMed 12827496 (cited by Eurofins Ntd Llc (ga)).